The following is an entry in ClinVar:

NM_016341.4(PLCE1):c.1729G>A (p.Ala577Thr)

Gene: PLCE1 (phospholipase C epsilon 1; plus strand). Cytogenetic location: 10q23.33.
Variant type: single nucleotide variant.
Coding change: c.1729G>A on transcript NM_016341.4 (MANE Select); coding-DNA position 1729, G replaced by A.
Protein change: p.Ala577Thr; replaces alanine 577 with threonine.
Molecular consequence: missense variant.
Genome position (GRCh38, 1-based): chr10:94,171,416, G>A. VCF-style: chr10-94171416-G-A. GRCh37 (hg19) VCF-style: chr10-95931173-G-A.
Other names: p.Ala577Thr; c.805G>A, p.Ala269Thr (NM_001165979.2); c.1729G>A, p.Ala577Thr (NM_001288989.2); short protein forms A577T, A269T.
Identifiers: ClinVar variation 260713 (VCV000260713.20), dbSNP rs141639885, ClinGen allele CA5612453.

ClinVar aggregate classification (germline): Conflicting classifications of pathogenicity. Review status: criteria provided, conflicting classifications (1 of 4 stars). 8 submissions from 8 submitters: Uncertain significance (1); Benign (4); Likely benign (3). Last evaluated 2026-01-18.

Conditions:
Kidney disorder. Also called: Nephropathy; renal disorder; Kidney disease; Kidney Diseases; renal disease. Identifiers: MedGen C0022658, MONDO:0005240, HP:0000112.
Nephrotic syndrome, type 3 (NPHS3). Also called: NEPHROTIC SYNDROME, EARLY-ONSET, TYPE 3. Identifiers: Orphanet 656, MedGen C1853124, MONDO:0012546, OMIM 610725.

Allele frequency attached by ClinVar (database versions not stated): ExAC 0.00146; gnomAD 0.00420 and 0.00444; 1000 Genomes Project 0.00599; 1000 Genomes Project 30x 0.00640; ESP Exome Variant Server 0.00457; TOPMed 0.00509.
gnomAD v4.1: 1,231 of 1,614,182 alleles (0.076%); highest among the groups gnomAD compares: African/African-American, 1.2%; 11 homozygotes.

Submissions (8):

Labcorp Genetics (formerly Invitae), Labcorp
Classification: Benign. Last evaluated: 2026-01-18. Review status: criteria provided, single submitter. Criteria: Invitae Variant Classification Sherloc (09022015). Collection method: clinical testing. Allele origin: germline.

Mayo Clinic Laboratories, Mayo Clinic
Classification: Likely benign. Last evaluated: 2025-10-21. Review status: criteria provided, single submitter. Criteria: ACMG Guidelines, 2015. Collection method: clinical testing. Allele origin: germline. Observed: 2 variant alleles.
Comment: BS1, BP4

GeneDx
Classification: Likely benign. Last evaluated: 2020-03-02. Review status: criteria provided, single submitter. Criteria: GeneDx Variant Classification Process June 2021. Collection method: clinical testing. Allele origin: germline. Affected: yes.
Comment: See Variant Classification Assertion Criteria.

Eurofins Ntd Llc (ga)
Classification: Benign. Last evaluated: 2018-07-05. Review status: criteria provided, single submitter. Criteria: EGL ClinVar v180209 classification definitions. Collection method: clinical testing. Allele origin: germline. Observed: 1 variant allele, 1 heterozygote.

Illumina Laboratory Services, Illumina
Classification: Benign for Nephrotic syndrome, type 3. Last evaluated: 2018-01-12. Review status: criteria provided, single submitter. Criteria: ICSL Variant Classification Criteria 13 December 2019. Collection method: clinical testing. Allele origin: germline.
Comment: This variant was observed in the ICSL laboratory as part of a predisposition screen in an ostensibly healthy population. It had not been previously curated by ICSL or reported in the Human Gene Mutation Database (HGMD: prior to June 1st, 2018), and was therefore a candidate for classification through an automated scoring system. Utilizing variant allele frequency, disease prevalence and penetrance estimates, and inheritance mode, an automated score was calculated to assess if this variant is too frequent to cause the disease. Based on the score and internal cut-off values, a variant classified as benign is not then subjected to further curation. The score for this variant resulted in a classification of benign for this disease.

Genome Diagnostics Laboratory, The Hospital for Sick Children
Classification: Uncertain significance for Kidney disorder. Last evaluated: 2017-02-13. Review status: criteria provided, single submitter. Criteria: ACMG Guidelines, 2015. Collection method: clinical testing. Allele origin: germline.

Breakthrough Genomics
Classification: Likely benign. Review status: criteria provided, single submitter. Criteria: ACMG Guidelines, 2015. Collection method: not provided. Allele origin: germline. Inheritance: Autosomal recessive inheritance. Affected: yes.

PreventionGenetics, part of Exact Sciences
Classification: Benign. Review status: criteria provided, single submitter. Criteria: ACMG Guidelines, 2015. Collection method: clinical testing. Allele origin: germline.

Literature cited by the submitters: PubMed 24500309 (cited by Mayo Clinic Laboratories, Mayo Clinic).